The following is an entry in ClinVar:

NM_003327.4(TNFRSF4):c.146-84_328del

Genes: TNFRSF4 (TNF receptor superfamily member 4; minus strand), LOC129929100 (ATAC-STARR-seq lymphoblastoid silent region 47; plus strand). Cytogenetic location: 1p36.33.
Variant type: Deletion.
Coding change: c.146-84_328del on transcript NM_003327.4 (MANE Select); 84 bases into the intron before coding-DNA position 146 through coding-DNA position 328, 836 bases deleted.
Molecular consequence: splice acceptor variant, splice donor variant.
Genome position (GRCh38, 1-based): chr1:1,213,034-1,213,869, 836 bases deleted. GRCh37 (hg19): chr1:1,148,417-1,149,252.
Other names: c.146-84_328del (NM_001410709.1).
Identifiers: ClinVar variation 2767265 (VCV002767265.3), dbSNP rs2521770739, ClinGen allele CA2697551994.

ClinVar aggregate classification (germline): Uncertain significance (1 of 4 stars; one submission).

Conditions:
Combined immunodeficiency due to OX40 deficiency. Also called: OX40 DEFICIENCY; Immunodeficiency 16. Identifiers: Orphanet 431149, MedGen C3810053, MONDO:0014268, OMIM 615593.

Submission:

Labcorp Genetics (formerly Invitae), Labcorp
Classification: Uncertain significance for Combined immunodeficiency due to OX40 deficiency. Last evaluated: 2023-10-09. Review status: criteria provided, single submitter. Criteria: Invitae Variant Classification Sherloc (09022015). Collection method: clinical testing. Allele origin: germline.
Comment: This variant results in the deletion of exon 2 and part of exon 3 (c.146-84_328del) of the TNFRSF4 gene. It is expected to disrupt RNA splicing. Variants that disrupt the donor or acceptor splice site typically lead to a loss of protein function (PMID: 16199547), however the current clinical and genetic evidence is not sufficient to establish whether loss-of-function variants in TNFRSF4 cause disease. This variant is not present in population databases (gnomAD no frequency). This variant has not been reported in the literature in individuals affected with TNFRSF4-related conditions. In summary, the available evidence is currently insufficient to determine the role of this variant in disease. Therefore, it has been classified as a Variant of Uncertain Significance.

Literature cited by the submitters: PubMed 16199547.